The following is an entry in ClinVar:

ClinVar aggregate classification (germline): Benign. Review status: criteria provided, multiple submitters, no conflicts (2 of 4 stars). 3 submissions from 3 submitters: Benign (2). 1 of the submissions does not count toward it. Last evaluated 2026-01-05.

Conditions:
CTR9-related disorder. Also called: CTR9-related condition.

Allele frequency attached by ClinVar (database versions not stated): gnomAD exomes 0.00059 and 0.00197; ExAC 0.00244; gnomAD 0.00696 and 0.00749; 1000 Genomes Project 0.00699; 1000 Genomes Project 30x 0.00703; TOPMed 0.00758; ESP Exome Variant Server 0.00855.

Submissions (3):

Labcorp Genetics (formerly Invitae), Labcorp
Classification: Benign. Last evaluated: 2026-01-05. Review status: criteria provided, single submitter. Criteria: Invitae Variant Classification Sherloc (09022015). Collection method: clinical testing. Allele origin: germline.

Breakthrough Genomics
Classification: Benign. Review status: criteria provided, single submitter. Criteria: ACMG Guidelines, 2015. Collection method: not provided. Allele origin: germline. Inheritance: Unknown mechanism. Affected: yes.

PreventionGenetics, part of Exact Sciences
Classification: Benign for CTR9-related condition. Last evaluated: 2020-01-06. Review status: no assertion criteria provided. Collection method: clinical testing. Allele origin: germline. Not counted in ClinVar's aggregate classification.
Comment: This variant is classified as benign based on ACMG/AMP sequence variant interpretation guidelines (Richards et al. 2015 PMID: 25741868, with internal and published modifications).

NM_014633.5(CTR9):c.3195G>A (p.Lys1065=)

Gene: CTR9 (CTR9 component of Paf1/RNA polymerase II complex; plus strand). Cytogenetic location: 11p15.4.
Variant type: single nucleotide variant.
Coding change: c.3195G>A on transcript NM_014633.5 (MANE Select); coding-DNA position 3195, G replaced by A.
Protein change: p.Lys1065=; no amino-acid change (lysine 1065 retained).
Molecular consequence: synonymous variant.
Genome position (GRCh38, 1-based): chr11:10,778,778, G>A. VCF-style: chr11-10778778-G-A. GRCh37 (hg19) VCF-style: chr11-10800325-G-A.
Other names: c.3123G>A, p.Lys1041= (NM_001346279.2); c.3195G>A (NM_014633.4).
Identifiers: ClinVar variation 1165527 (VCV001165527.12), dbSNP rs34200650, ClinGen allele CA5885538.